The following is an entry in ClinVar:

ClinVar aggregate classification (germline): Pathogenic/Likely pathogenic. Review status: criteria provided, multiple submitters, no conflicts (2 of 4 stars). 3 submissions from 3 submitters: Pathogenic (2); Likely pathogenic (1). Last evaluated 2025-06-30.

Conditions:
Congenital stationary night blindness. Also called: Early-onset non-progressive night blindness. Identifiers: Orphanet 215, MedGen C0339535, MONDO:0016293, HP:0007642.
X-linked cone-rod dystrophy 3 (CORDX3). Identifiers: Orphanet 1872, MedGen C1845407, MONDO:0010335, OMIM 300476.

Allele frequency attached by ClinVar (database versions not stated): gnomAD 0.00001; TOPMed 0.00001.
gnomAD v4.1: 1 of 1,209,294 alleles (0.000083%); highest among the groups gnomAD compares: Non-Finnish European, 0.00011%; no homozygotes.

Submissions (3):

Institute of Human Genetics, University of Leipzig Medical Center
Classification: Pathogenic for X-linked cone-rod dystrophy 3. Last evaluated: 2025-06-30. Review status: criteria provided, single submitter. Criteria: ACMG Guidelines, 2015. Collection method: clinical testing. Allele origin: maternal. Inheritance: X-linked recessive inheritance. Affected: yes.
Comment: Criteria applied: PVS1,PS4_SUP,PM2_SUP

Molecular Genetics Laboratory, Institute for Ophthalmic Research
Classification: Pathogenic for Congenital stationary night blindness. Last evaluated: 2020-01-09. Review status: criteria provided, single submitter. Criteria: ACMG Guidelines, 2015. Collection method: research. Allele origin: germline. Affected: yes.

CeGaT Center for Human Genetics Tuebingen
Classification: Likely pathogenic. Last evaluated: 2018-06-01. Review status: criteria provided, single submitter. Criteria: CeGaT Center For Human Genetics Tuebingen Variant Classification Criteria Version 2. Collection method: clinical testing. Allele origin: germline. Affected: yes. Observed: 1 variant allele.

NM_001256789.3(CACNA1F):c.2086-2A>G

Gene: CACNA1F (calcium voltage-gated channel subunit alpha1 F; minus strand). Cytogenetic location: Xp11.23.
Variant type: single nucleotide variant.
Coding change: c.2086-2A>G on transcript NM_001256789.3 (MANE Select); the canonical splice acceptor site of the intron before coding-DNA position 2086, A replaced by G.
Molecular consequence: splice acceptor variant.
Genome position (GRCh38, 1-based): chrX:49,222,840, T>C on the plus strand (A>G on the coding strand, the complement: CACNA1F is on the minus strand). VCF-style: chrX-49222840-T-C. GRCh37 (hg19) VCF-style: chrX-49079299-T-C.
Other names: c.2119-2A>G (NM_005183.4); c.1924-2A>G (NM_001256790.3).
Identifiers: ClinVar variation 624415 (VCV000624415.44), dbSNP rs1358925739, ClinGen allele CA412911240.